The following is an entry in ClinVar:

NM_017950.4(CCDC40):c.1562+2003C>A

Gene: CCDC40 (coiled-coil domain 40 molecular ruler complex subunit; plus strand). Cytogenetic location: 17q25.3.
Variant type: single nucleotide variant.
Coding change: c.1562+2003C>A on transcript NM_017950.4 (MANE Select); 2003 bases into the intron after coding-DNA position 1562, C replaced by A.
Molecular consequence: intron variant. On other transcripts: missense variant (1).
Genome position (GRCh38, 1-based): chr17:80,067,609, C>A. VCF-style: chr17-80067609-C-A. GRCh37 (hg19) VCF-style: chr17-78041408-C-A.
Other names: c.1667C>A, p.Pro556His (NM_001330508.2); c.1562+2003C>A (NM_001243342.2); short protein forms P556H.
Identifiers: ClinVar variation 2648392 (VCV002648392.26), dbSNP rs151038976, ClinGen allele CA8813940.
Genomic context (GRCh38, chr17:80,067,609, plus strand): 5'-GTTCCCGCCTTTCTACCACATGGCATTCCGCTGGGATACTTCTACGGGGAAGCTTCCTGC[C>A]CGGGGCATCGAGGGCGTTCGCGTCCGTCTGTTATGGCGGTGCTGCTGTAGATAACCGGAT-3'

ClinVar aggregate classification (germline): Likely benign. Review status: criteria provided, multiple submitters, no conflicts (2 of 4 stars). 3 submissions from 3 submitters: Likely benign (3). Last evaluated 2026-09-01.

Conditions:
Primary ciliary dyskinesia 15. Also called: CILIARY DYSKINESIA, PRIMARY, 15, WITH OR WITHOUT SITUS INVERSUS. Identifiers: Orphanet 244, MedGen C3151137, MONDO:0013435, OMIM 613808.

Allele frequency attached by ClinVar (database versions not stated): gnomAD 0.00224; 1000 Genomes Project 30x 0.00234; TOPMed 0.00240; 1000 Genomes Project 0.00300; gnomAD exomes 0.00300; ExAC 0.00398.
gnomAD v4.1: 4,543 of 1,536,232 alleles (0.3%); highest among the groups gnomAD compares: Middle Eastern, 0.72%; 14 homozygotes.

Submissions (3):

CeGaT Center for Human Genetics Tuebingen
Classification: Likely benign. Last evaluated: 2026-09-01. Review status: criteria provided, single submitter. Criteria: CeGaT Center For Human Genetics Tuebingen Variant Classification Criteria Version 2. Collection method: clinical testing. Allele origin: germline. Affected: yes. Observed: 6 variant alleles.
Comment: CCDC40: BS2

Blueprint Genetics
Classification: Likely benign. Last evaluated: 2024-11-26. Review status: criteria provided, single submitter. Criteria: ACMG Guidelines, 2015. Collection method: clinical testing. Allele origin: germline.

ARUP Laboratories, Molecular Genetics and Genomics, ARUP Laboratories
Classification: Likely benign for Primary ciliary dyskinesia 15. Last evaluated: 2023-10-03. Review status: criteria provided, single submitter. Criteria: ARUP Molecular Germline Variant Investigation Process 2024. Collection method: clinical testing. Allele origin: germline.